The following is an entry in ClinVar:

ClinVar aggregate classification (germline): Uncertain significance (1 of 4 stars; one submission).

Conditions:
Inborn genetic diseases. Identifiers: MedGen C0950123, MeSH D030342.

Allele frequency attached by ClinVar (database versions not stated): TOPMed below 0.00001; gnomAD 0.00001; gnomAD exomes 0.00001.
gnomAD v4.1: 11 of 1,210,444 alleles (0.00091%); highest among the groups gnomAD compares: Non-Finnish European, 0.0012%; no homozygotes.

Submission:

Ambry Genetics
Classification: Uncertain significance for Inborn genetic diseases. Last evaluated: 2022-02-11. Review status: criteria provided, single submitter. Criteria: Ambry Variant Classification Scheme 2023. Collection method: clinical testing. Allele origin: germline.
Comment: The c.2764A>G (p.K922E) alteration is located in exon 4 (coding exon 3) of the BCOR gene. This alteration results from a A to G substitution at nucleotide position 2764, causing the lysine (K) at amino acid position 922 to be replaced by a glutamic acid (E). The p.K922E alteration is predicted to be tolerated by in silico analysis. Based on insufficient or conflicting evidence, the clinical significance of this alteration remains unclear.

NM_001123385.2(BCOR):c.2764A>G (p.Lys922Glu)

Gene: BCOR (BCL6 corepressor; minus strand). Cytogenetic location: Xp11.4.
Variant type: single nucleotide variant.
Coding change: c.2764A>G on transcript NM_001123385.2 (MANE Select); coding-DNA position 2764, A replaced by G.
Protein change: p.Lys922Glu; replaces lysine 922 with glutamic acid.
Molecular consequence: missense variant.
Genome position (GRCh38, 1-based): chrX:40,072,582, T>C on the plus strand (A>G on the coding strand, the complement: BCOR is on the minus strand). VCF-style: chrX-40072582-T-C. GRCh37 (hg19) VCF-style: chrX-39931835-T-C.
Other names: c.2764A>G, p.Lys922Glu (NM_001123383.2, NM_001123384.2, NM_017745.6); short protein forms K922E.
Identifiers: ClinVar variation 2215532 (VCV002215532.2), dbSNP rs1311643607, ClinGen allele CA412741895.
Genomic context (GRCh38, chrX:40,072,582, plus strand): 5'-CTTTGGTATAGGTGGGGGTCACATCCACACTTGGTGGGGCACTGCCCACACAAAATGGTT[T>C]GGGATCCTCTTGGGTTTTACCAAAAGTTACAGCAGGGCCATCGCTCCCCAGAGGTGGCTC-3'
Protein context (NP_001116857.1, residues 912-932): VTFGKTQEDP[Lys922Glu]PFCVGSAPPS